The following is an entry in ClinVar:

NM_177438.3(DICER1):c.3311G>A (p.Ser1104Asn)

Gene: DICER1 (dicer 1, ribonuclease III; minus strand). Cytogenetic location: 14q32.13.
Variant type: single nucleotide variant.
Coding change: c.3311G>A on transcript NM_177438.3 (MANE Select); coding-DNA position 3311, G replaced by A.
Protein change: p.Ser1104Asn; replaces serine 1104 with asparagine.
Molecular consequence: missense variant.
Genome position (GRCh38, 1-based): chr14:95,104,085, C>T on the plus strand (G>A on the coding strand, the complement: DICER1 is on the minus strand). VCF-style: chr14-95104085-C-T. GRCh37 (hg19) VCF-style: chr14-95570422-C-T.
Other names: c.3311G>A, p.Ser1104Asn (NM_001195573.1, NM_001271282.3, NM_001291628.2 and 1 more transcripts); c.3311G>A (NM_177438.2); short protein forms S1104N.
Identifiers: ClinVar variation 1011170 (VCV001011170.9), dbSNP rs1891190032, ClinGen allele CA390875959.

ClinVar aggregate classification (germline): Uncertain significance. Review status: criteria provided, multiple submitters, no conflicts (2 of 4 stars). 2 submissions from 2 submitters: Uncertain significance (2). Last evaluated 2025-11-11.

Conditions:
DICER1-related tumor predisposition. Also called: DICER1-related pleuropulmonary blastoma cancer predisposition syndrome; DICER1 syndrome. Identifiers: Orphanet 284343, MedGen C3839822, MONDO:0100216.
Hereditary cancer-predisposing syndrome. Also called: Tumor predisposition; Hereditary Cancer Syndrome; Neoplastic Syndromes, Hereditary; Hereditary neoplastic syndrome. Identifiers: Orphanet 140162, MedGen C0027672, MeSH D009386, MONDO:0015356.

Allele frequency attached by ClinVar (database versions not stated): gnomAD exomes below 0.00001.

Submissions (2):

Ambry Genetics
Classification: Uncertain significance for Hereditary cancer-predisposing syndrome. Last evaluated: 2025-11-11. Review status: criteria provided, single submitter. Criteria: Ambry Variant Classification Scheme 2023. Collection method: clinical testing. Allele origin: germline.
Comment: The p.S1104N variant (also known as c.3311G>A), located in coding exon 20 of the DICER1 gene, results from a G to A substitution at nucleotide position 3311. The serine at codon 1104 is replaced by asparagine, an amino acid with highly similar properties. This amino acid position is conserved. In addition, this alteration is predicted to be tolerated by in silico analysis. Based on the available evidence, the clinical significance of this variant remains unclear.

Labcorp Genetics (formerly Invitae), Labcorp
Classification: Uncertain significance for DICER1-related tumor predisposition. Last evaluated: 2024-08-12. Review status: criteria provided, single submitter. Criteria: Invitae Variant Classification Sherloc (09022015). Collection method: clinical testing. Allele origin: germline.
Comment: This sequence change replaces serine, which is neutral and polar, with asparagine, which is neutral and polar, at codon 1104 of the DICER1 protein (p.Ser1104Asn). This variant is not present in population databases (gnomAD no frequency). This variant has not been reported in the literature in individuals affected with DICER1-related conditions. ClinVar contains an entry for this variant (Variation ID: 1011170). Advanced modeling of protein sequence and biophysical properties (such as structural, functional, and spatial information, amino acid conservation, physicochemical variation, residue mobility, and thermodynamic stability) performed at Invitae indicates that this missense variant is not expected to disrupt DICER1 protein function with a negative predictive value of 80%. In summary, the available evidence is currently insufficient to determine the role of this variant in disease. Therefore, it has been classified as a Variant of Uncertain Significance.